The following is an entry in ClinVar:

ClinVar aggregate classification (germline): Pathogenic (1 of 4 stars; one submission).

Conditions:
Neurofibromatosis, type 1 (NF1). Also called: VON RECKLINGHAUSEN DISEASE; Peripheral type neurofibromatosis; Neurofibromatosis, type I; NEUROFIBROMATOSIS, TYPE I, SOMATIC. Identifiers: Orphanet 636, MedGen C0027831, MONDO:0018975, OMIM 162200. Disease mechanism: loss of function.

Submission:

Labcorp Genetics (formerly Invitae), Labcorp
Classification: Pathogenic for Neurofibromatosis, type 1. Last evaluated: 2019-07-16. Review status: criteria provided, single submitter. Criteria: Invitae Variant Classification Sherloc (09022015). Collection method: clinical testing. Allele origin: germline.
Comment: This sequence change creates a premature translational stop signal (p.Glu800Lysfs*21) in the NF1 gene. It is expected to result in an absent or disrupted protein product. This variant is not present in population databases (ExAC no frequency). This variant has been reported in individuals in the Leiden Open-source Variation Database (PMID: 21520333). Loss-of-function variants in NF1 are known to be pathogenic (PMID: 10712197, 23913538). For these reasons, this variant has been classified as Pathogenic.

Literature cited by the submitters: PubMed 21520333; PubMed 10712197; PubMed 23913538.

NM_001042492.3(NF1):c.2398del (p.Glu800fs)

Gene: NF1 (neurofibromin 1; plus strand). Cytogenetic location: 17q11.2.
Variant type: Deletion.
Coding change: c.2398del on transcript NM_001042492.3 (MANE Select); coding-DNA position 2398, one base deleted (G; older notation c.2398delG).
Protein change: p.Glu800fs; shifts the reading frame from glutamic acid 800.
Molecular consequence: frameshift variant.
Genome position (GRCh38, 1-based): chr17:31,227,595, G deleted; the last of 2 consecutive G bases (chr17:31,227,594-31,227,595); deleting either gives the same sequence. VCF-style (leftmost placement, unchanged base first): chr17-31227593-TG-T. GRCh37 (hg19) VCF-style: chr17-29554611-TG-T.
Other names: c.2398delG, p.Glu800Lysfs (NM_000267.4); short protein forms E800fs.
Identifiers: ClinVar variation 933451 (VCV000933451.6), dbSNP rs2067039387, ClinGen allele CA1139665428.
Genomic context (GRCh38, chr17:31,227,593, plus strand): 5'-ATACACATGCAAAATGGGAACAAGCAACAAAGCTAATCCTTAACTATCCAAAAGCCAAAA[TG>T]GAAGATGGCCAGGTAAGTCTGTAAAGTTGACTTTTGTCTGTTAACTGATCTGCTAAATAT-3'